The following is an entry in ClinVar:

ClinVar aggregate classification (germline): Pathogenic. Review status: criteria provided, multiple submitters, no conflicts (2 of 4 stars). 4 submissions from 4 submitters: Pathogenic (3). 1 of the submissions does not count toward it. Last evaluated 2025-12-19.

Conditions:
C1Q deficiency. Identifiers: MedGen C3150902, MONDO:0013343.

Allele frequency attached by ClinVar (database versions not stated): gnomAD exomes 0.00009 and 0.00013; ExAC 0.00029; gnomAD 0.00005; TOPMed 0.00006; ESP Exome Variant Server 0.00008.
gnomAD v4.1: 130 of 1,582,968 alleles (0.0082%); highest among the groups gnomAD compares: Middle Eastern, 0.017%; no homozygotes.

Submissions (4):

Labcorp Genetics (formerly Invitae), Labcorp
Classification: Pathogenic. Last evaluated: 2025-12-19. Review status: criteria provided, single submitter. Criteria: Invitae Variant Classification Sherloc (09022015). Collection method: clinical testing. Allele origin: germline.
Comment: This sequence change replaces glycine, which is neutral and non-polar, with arginine, which is basic and polar, at codon 34 of the C1QC protein (p.Gly34Arg). This variant is present in population databases (rs200206736, gnomAD 0.03%). This missense change has been observed in individual(s) with classical pathway complement deficiencies (PMID: 7900940, 8630118, 28082982, 30008451, 31357913). In at least one individual the data is consistent with being in trans (on the opposite chromosome) from a pathogenic variant. It has also been observed to segregate with disease in related individuals. This variant is also known as p.Gly6Arg. ClinVar contains an entry for this variant (Variation ID: 17071). An algorithm developed to predict the effect of missense changes on protein structure and function (PolyPhen-2) suggests that this variant is likely to be disruptive. For these reasons, this variant has been classified as Pathogenic.

Mendelics
Classification: Pathogenic for C1Q deficiency 1. Last evaluated: 2022-05-04. Review status: criteria provided, single submitter. Criteria: Mendelics Assertion Criteria 2019. Collection method: clinical testing. Allele origin: germline.

CeGaT Center for Human Genetics Tuebingen
Classification: Pathogenic. Last evaluated: 2020-04-01. Review status: criteria provided, single submitter. Criteria: CeGaT Center For Human Genetics Tuebingen Variant Classification Criteria Version 2. Collection method: clinical testing. Allele origin: germline. Affected: yes. Observed: 1 variant allele.

OMIM
Classification: Pathogenic for C1Q DEFICIENCY. Last evaluated: 1996-04-01. Review status: no assertion criteria provided. Collection method: literature only. Allele origin: germline. Not counted in ClinVar's aggregate classification.

Literature cited by the submitters: PubMed 7900940 (cited by Labcorp Genetics (formerly Invitae), Labcorp and OMIM); PubMed 8630118 (cited by Labcorp Genetics (formerly Invitae), Labcorp and OMIM); PubMed 28082982 (cited by Labcorp Genetics (formerly Invitae), Labcorp); PubMed 30008451 (cited by Labcorp Genetics (formerly Invitae), Labcorp); PubMed 31357913 (cited by Labcorp Genetics (formerly Invitae), Labcorp).

NM_172369.5(C1QC):c.100G>A (p.Gly34Arg)

Gene: C1QC (complement C1q C chain; plus strand). Cytogenetic location: 1p36.12.
Variant type: single nucleotide variant.
Coding change: c.100G>A on transcript NM_172369.5 (MANE Select); coding-DNA position 100, G replaced by A.
Protein change: p.Gly34Arg; replaces glycine 34 with arginine.
Molecular consequence: missense variant. On other transcripts: intron variant (1).
Genome position (GRCh38, 1-based): chr1:22,644,123, G>A. VCF-style: chr1-22644123-G-A. GRCh37 (hg19) VCF-style: chr1-22970616-G-A.
Other names: C1QC, GLY6ARG; G6R; c.100G>A, p.Gly34Arg (NM_001114101.3, NM_001347619.2); c.-87+409G>A (NM_001347620.2); short protein forms G34R.
Identifiers: ClinVar variation 17071 (VCV000017071.47), dbSNP rs200206736, ClinGen allele CA677888.